The following is an entry in ClinVar:

NM_003742.4(ABCB11):c.1145C>G (p.Ala382Gly)

Gene: ABCB11 (ATP binding cassette subfamily B member 11; minus strand). Cytogenetic location: 2q31.1.
Variant type: single nucleotide variant.
Coding change: c.1145C>G on transcript NM_003742.4 (MANE Select); coding-DNA position 1145, C replaced by G.
Protein change: p.Ala382Gly; replaces alanine 382 with glycine.
Molecular consequence: missense variant.
Genome position (GRCh38, 1-based): chr2:168,979,918, G>C on the plus strand (C>G on the coding strand, the complement: ABCB11 is on the minus strand). VCF-style: chr2-168979918-G-C. GRCh37 (hg19) VCF-style: chr2-169836428-G-C.
Other names: short protein forms A382G.
Identifiers: ClinVar variation 2573512 (VCV002573512.2), dbSNP rs1370701870, ClinGen allele CA349121334.

ClinVar aggregate classification (germline): Uncertain significance. Review status: criteria provided, multiple submitters, no conflicts (2 of 4 stars). 2 submissions from 2 submitters: Uncertain significance (2). Last evaluated 2026-04-14.

Conditions:
Familial intrahepatic cholestasis. Identifiers: Orphanet 284385, MedGen CN296401, MONDO:0017290.

gnomAD v4.1: 3 of 1,611,590 alleles (0.00019%); highest among the groups gnomAD compares: South Asian, 0.0022%; no homozygotes.

Submissions (2):

Genomenon, Inc
Classification: Uncertain significance for Familial intrahepatic cholestasis. Last evaluated: 2026-04-14. Review status: criteria provided, single submitter. Criteria: Genomenon Sequence Variant Interpretation Standards - Updated. Collection method: curation. Allele origin: germline. Affected: yes.
Comment: ABCB11 p.Ala382Gly (c.1145C>G) is a missense variant that changes the amino acid at residue 382 from Alanine to Glycine. This variant has been observed in at least one proband with an ABCB11-related disorder (PMID:28733223). It is absent or not present at a significant frequency in gnomAD. In silico models predict that this variant is possibly or probably damaging. In conclusion, we classify ABCB11 p.Ala382Gly (c.1145C>G) as a variant of uncertain significance.

Women's Health and Genetics/Laboratory Corporation of America, LabCorp
Classification: Uncertain significance. Last evaluated: 2023-06-01. Review status: criteria provided, single submitter. Criteria: LabCorp Variant Classification Summary - May 2015. Collection method: clinical testing. Allele origin: germline.
Comment: Variant summary: ABCB11 c.1145C>G (p.Ala382Gly) results in a non-conservative amino acid change located in the ABC transporter type 1, transmembrane domain (IPR011527) of the encoded protein sequence. Four of five in-silico tools predict a damaging effect of the variant on protein function. The variant allele was found at a frequency of 8e-06 in 248942 control chromosomes (gnomAD). The available data on variant occurrences in the general population are insufficient to allow any conclusion about variant significance. c.1145C>G has been reported in the literature as a compound heterozygous genotype in at least one individual affected with Familial Intrahepatic Cholestasis (Kubitz_2012, Droge_2017). These data do not allow any conclusion about variant significance. To our knowledge, no experimental evidence demonstrating an impact on protein function has been reported. The following publications have been ascertained in the context of this evaluation (PMID: 28733223, 22795478). No clinical diagnostic laboratories have submitted clinical-significance assessments for this variant to ClinVar after 2014. Based on the evidence outlined above, the variant was classified as uncertain significance.

Literature cited by the submitters: PubMed 28733223 (cited by Genomenon, Inc and Women's Health and Genetics/Laboratory Corporation of America, LabCorp); PubMed 22795478 (cited by Women's Health and Genetics/Laboratory Corporation of America, LabCorp).